The following is an entry in ClinVar:

ClinVar aggregate classification (germline): Likely benign. Review status: reviewed by expert panel (3 of 4 stars). 3 submissions from 3 submitters: Likely benign (1). 2 of the submissions do not count toward it. Last evaluated 2017-06-29.

Conditions:
Breast-ovarian cancer, familial, susceptibility to, 2 (BROVCA2). Also called: BRCA2 Hereditary Breast and Ovarian Cancer. Identifiers: Orphanet 145, MedGen C2675520, MONDO:0012933, OMIM 612555. Disease mechanism: loss of function.
Hereditary cancer-predisposing syndrome. Also called: Hereditary Cancer Syndrome; Neoplastic Syndromes, Hereditary; Tumor predisposition; Hereditary neoplastic syndrome. Identifiers: Orphanet 140162, MedGen C0027672, MeSH D009386, MONDO:0015356.
Hereditary breast ovarian cancer syndrome. Also called: Hereditary breast and/or ovarian cancer syndrome; BRCA1- and BRCA2-Associated Hereditary Breast and Ovarian Cancer; Hereditary breast and ovarian cancer syndrome (HBOC); Hereditary breast and ovarian cancer; Hereditary breast and ovarian cancer syndrome; Breast and ovarian cancer. Identifiers: Orphanet 145, MedGen C0677776, MeSH D061325, MONDO:0003582. Disease mechanism: loss of function.

Submissions (3):

Evidence-based Network for the Interpretation of Germline Mutant Alleles (ENIGMA)
Classification: Likely benign for Breast-ovarian cancer, familial, susceptibility to, 2. Last evaluated: 2017-06-29. Review status: reviewed by expert panel. Criteria: ENIGMA BRCA1/2 Classification Criteria (2017-06-29). Collection method: curation. Allele origin: germline.
Comment: Synonymous substitution variant, with low bioinformatic likelihood to result in a splicing aberration (Splicing prior probability 0.02).

Labcorp Genetics (formerly Invitae), Labcorp
Classification: Likely benign for Hereditary breast ovarian cancer syndrome. Last evaluated: 2023-06-09. Review status: criteria provided, single submitter. Criteria: Invitae Variant Classification Sherloc (09022015). Collection method: clinical testing. Allele origin: germline. Not counted in ClinVar's aggregate classification.

Ambry Genetics
Classification: Likely benign for Hereditary cancer-predisposing syndrome. Last evaluated: 2015-01-02. Review status: criteria provided, single submitter. Criteria: Ambry Variant Classification Scheme 2023. Collection method: clinical testing. Allele origin: germline. Not counted in ClinVar's aggregate classification.

NM_000059.4(BRCA2):c.1182A>G (p.Glu394=)

Gene: BRCA2 (BRCA2 DNA repair associated; plus strand). Cytogenetic location: 13q13.1.
Variant type: single nucleotide variant.
Coding change: c.1182A>G on transcript NM_000059.4 (MANE Select); coding-DNA position 1182, A replaced by G.
Protein change: p.Glu394=; no amino-acid change (glutamic acid 394 retained).
Molecular consequence: synonymous variant.
Genome position (GRCh38, 1-based): chr13:32,332,660, A>G. VCF-style: chr13-32332660-A-G. GRCh37 (hg19) VCF-style: chr13-32906797-A-G.
Identifiers: ClinVar variation 229914 (VCV000229914.12), dbSNP rs876658265, ClinGen allele CA10579487.